The following is an entry in ClinVar:

NM_004958.4(MTOR):c.2656C>T (p.Arg886Cys)

Gene: MTOR (mechanistic target of rapamycin kinase; minus strand). Cytogenetic location: 1p36.22.
Variant type: single nucleotide variant.
Coding change: c.2656C>T on transcript NM_004958.4 (MANE Select); coding-DNA position 2656, C replaced by T.
Protein change: p.Arg886Cys; replaces arginine 886 with cysteine.
Molecular consequence: missense variant.
Genome position (GRCh38, 1-based): chr1:11,231,048, G>A on the plus strand (C>T on the coding strand, the complement: MTOR is on the minus strand). VCF-style: chr1-11231048-G-A. GRCh37 (hg19) VCF-style: chr1-11291105-G-A.
Other names: c.2656C>T, p.Arg886Cys (NM_001386500.1); c.1408C>T, p.Arg470Cys (NM_001386501.1); short protein forms R886C, R470C.
Identifiers: ClinVar variation 2913645 (VCV002913645.4), dbSNP rs1432293757, ClinGen allele CA338381428.
Genomic context (GRCh38, chr1:11,231,048, plus strand): 5'-TCATGCCAATGTTCACTTTGTGCTTGTAAGGATCCAAAGCCCCTAAAAGCCCTAACACAC[G>A]GATGGCCTGCGTGGGAAAGGGGAGGGAAAAAAGAAAACATTCATCACAACATGATTACAA-3'
Protein context (NP_004949.1, residues 876-896): QNQGTRREAI[Arg886Cys]VLGLLGALDP

ClinVar aggregate classification (germline): Uncertain significance. Review status: criteria provided, multiple submitters, no conflicts (2 of 4 stars). 2 submissions from 2 submitters: Uncertain significance (2). Last evaluated 2025-01-13.

Allele frequency attached by ClinVar (database versions not stated): TOPMed below 0.00001.
gnomAD v4.1: 7 of 1,614,074 alleles (0.00043%); highest among the groups gnomAD compares: East Asian, 0.0022%; no homozygotes.

Submissions (2):

Labcorp Genetics (formerly Invitae), Labcorp
Classification: Uncertain significance. Last evaluated: 2025-01-13. Review status: criteria provided, single submitter. Criteria: Invitae Variant Classification Sherloc (09022015). Collection method: clinical testing. Allele origin: germline.
Comment: This sequence change replaces arginine, which is basic and polar, with cysteine, which is neutral and slightly polar, at codon 886 of the MTOR protein (p.Arg886Cys). This variant is not present in population databases (gnomAD no frequency). This variant has not been reported in the literature in individuals affected with MTOR-related conditions. ClinVar contains an entry for this variant (Variation ID: 2913645). Invitae Evidence Modeling of protein sequence and biophysical properties (such as structural, functional, and spatial information, amino acid conservation, physicochemical variation, residue mobility, and thermodynamic stability) indicates that this missense variant is not expected to disrupt MTOR protein function with a negative predictive value of 95%. In summary, the available evidence is currently insufficient to determine the role of this variant in disease. Therefore, it has been classified as a Variant of Uncertain Significance.

Blueprint Genetics
Classification: Uncertain significance. Last evaluated: 2020-06-29. Review status: criteria provided, single submitter. Criteria: ACMG Guidelines, 2015. Collection method: clinical testing. Allele origin: germline.